The following is an entry in ClinVar:

NM_000038.6(APC):c.278T>A (p.Leu93His)

Gene: APC (APC regulator of Wnt signaling pathway; plus strand). Cytogenetic location: 5q22.2.
Variant type: single nucleotide variant.
Coding change: c.278T>A on transcript NM_000038.6 (MANE Select); coding-DNA position 278, T replaced by A.
Protein change: p.Leu93His; replaces leucine 93 with histidine.
Molecular consequence: missense variant. On other transcripts: 5 prime UTR variant (1).
Genome position (GRCh38, 1-based): chr5:112,767,246, T>A. VCF-style: chr5-112767246-T-A. GRCh37 (hg19) VCF-style: chr5-112102943-T-A.
Other names: c.278T>A, p.Leu93His (NM_001127510.3, NM_001354895.2, NM_001354896.2 and 2 more transcripts); c.308T>A, p.Leu103His (NM_001127511.3, NM_001354897.2, NM_001354902.2); c.203T>A, p.Leu68His (NM_001354898.2, NM_001354904.2); c.101T>A, p.Leu34His (NM_001354900.2, NM_001354901.2, NM_001354905.2); c.-758T>A (NM_001354906.2); short protein forms L103H, L93H, L68H, L34H.
Identifiers: ClinVar variation 231135 (VCV000231135.15), dbSNP rs876658977, ClinGen allele CA10578288.

ClinVar aggregate classification (germline): Conflicting classifications of pathogenicity. Review status: criteria provided, conflicting classifications (1 of 4 stars). 3 submissions from 3 submitters: Uncertain significance (2); Likely benign (1). Last evaluated 2026-01-04.

Conditions:
Hereditary cancer-predisposing syndrome. Also called: Neoplastic Syndromes, Hereditary; Tumor predisposition; Hereditary Cancer Syndrome; Hereditary neoplastic syndrome. Identifiers: Orphanet 140162, MedGen C0027672, MeSH D009386, MONDO:0015356.
Familial adenomatous polyposis 1 (FAP1). Also called: FAMILIAL ADENOMATOUS POLYPOSIS 1, ATTENUATED; POLYPOSIS, ADENOMATOUS INTESTINAL. Identifiers: MedGen C2713442, MONDO:0021056, OMIM 175100. Disease mechanism: loss of function.
Hereditary cancer. Identifiers: MedGen C1333600.

Allele frequency attached by ClinVar (database versions not stated): TOPMed 0.00002.

Submissions (3):

Labcorp Genetics (formerly Invitae), Labcorp
Classification: Uncertain significance for Familial adenomatous polyposis 1. Last evaluated: 2026-01-04. Review status: criteria provided, single submitter. Criteria: Invitae Variant Classification Sherloc (09022015). Collection method: clinical testing. Allele origin: germline.
Comment: This sequence change replaces leucine, which is neutral and non-polar, with histidine, which is basic and polar, at codon 93 of the APC protein (p.Leu93His). This variant is not present in population databases (gnomAD no frequency). This variant has not been reported in the literature in individuals affected with APC-related conditions. ClinVar contains an entry for this variant (Variation ID: 231135). Invitae Evidence Modeling of protein sequence and biophysical properties (such as structural, functional, and spatial information, amino acid conservation, physicochemical variation, residue mobility, and thermodynamic stability) indicates that this missense variant is not expected to disrupt APC protein function with a negative predictive value of 95%. In summary, the available evidence is currently insufficient to determine the role of this variant in disease. Therefore, it has been classified as a Variant of Uncertain Significance.

Mendelics
Classification: Likely benign for Hereditary cancer. Last evaluated: 2024-01-23. Review status: criteria provided, single submitter. Criteria: ACMG Guidelines, 2015. Collection method: clinical testing. Allele origin: unknown.

Ambry Genetics
Classification: Uncertain significance for Hereditary cancer-predisposing syndrome. Last evaluated: 2015-03-30. Review status: criteria provided, single submitter. Criteria: Ambry Variant Classification Scheme 2023. Collection method: clinical testing. Allele origin: germline.
Comment: The p.L93H variant (also known as c.278T>A), located in coding exon 3 of the APC gene, results from a T to A substitution at nucleotide position 278. The leucine at codon 93 is replaced by histidine, an amino acid with similar properties. This variant was not reported in population based cohorts in the following databases: Database of Single Nucleotide Polymorphisms (dbSNP), NHLBI Exome Sequencing Project (ESP), and 1000 Genomes Project. In the ESP, this variant was not observed in 6502 samples (13004 alleles) with coverage at this position. To date, this alteration has been detected with an allele frequency of approximately 0.005% (greater than 21000 alleles tested) in our clinical cohort. This amino acid position is well conserved in available vertebrate species. In addition, in silico predictors for this gene do not accurately predict pathogenicity. Since supporting evidence is limited at this time, the clinical significance of p.L93H remains unclear.